The following is an entry in ClinVar:

NM_001357.5(DHX9):c.334C>T (p.Pro112Ser)

Gene: DHX9 (DExH-box helicase 9; plus strand). Cytogenetic location: 1q25.3.
Variant type: single nucleotide variant.
Coding change: c.334C>T on transcript NM_001357.5 (MANE Select); coding-DNA position 334, C replaced by T.
Protein change: p.Pro112Ser; replaces proline 112 with serine.
Molecular consequence: missense variant. On other transcripts: non-coding transcript variant (1).
Genome position (GRCh38, 1-based): chr1:182,852,314, C>T. VCF-style: chr1-182852314-C-T. GRCh37 (hg19) VCF-style: chr1-182821449-C-T.
Other names: short protein forms P112S.
Identifiers: ClinVar variation 4851315 (VCV004851315.1).

ClinVar aggregate classification (germline): Uncertain significance (1 of 4 stars; one submission).

Conditions:
Intellectual disability. Also called: Intellectual functioning disability; intellectual disabilities; Intellectual developmental disorder. Identifiers: MedGen C3714756, MeSH D008607, MONDO:0001071, HP:0001249.

Submission:

Clinical Genetics Laboratory, Skane University Hospital Lund
Classification: Uncertain significance for Intellectual disability. Last evaluated: 2026-05-22. Review status: criteria provided, single submitter. Criteria: ACMG Guidelines, 2015. Collection method: clinical testing. Allele origin: germline. Affected: yes.
Comment: ACMG criteria applied: PM2, BP4.